The following is an entry in ClinVar:

NM_002230.4(JUP):c.1218C>T (p.Asn406=)

Gene: JUP (junction plakoglobin; minus strand). Cytogenetic location: 17q21.2.
Variant type: single nucleotide variant.
Coding change: c.1218C>T on transcript NM_002230.4 (MANE Select); coding-DNA position 1218, C replaced by T.
Protein change: p.Asn406=; no amino-acid change (asparagine 406 retained).
Molecular consequence: synonymous variant.
Genome position (GRCh38, 1-based): chr17:41,763,262, G>A on the plus strand (C>T on the coding strand, the complement: JUP is on the minus strand). VCF-style: chr17-41763262-G-A. GRCh37 (hg19) VCF-style: chr17-39919514-G-A.
Other names: c.1218C>T, p.Asn406= (NM_001352773.2, NM_001352774.2, NM_001352775.2 and 3 more transcripts).
Identifiers: ClinVar variation 227447 (VCV000227447.20), dbSNP rs782565128, ClinGen allele CA8565252.

ClinVar aggregate classification (germline): Conflicting classifications of pathogenicity. Review status: criteria provided, conflicting classifications (1 of 4 stars). 5 submissions from 4 submitters: Uncertain significance (2); Likely benign (3). Last evaluated 2025-11-19.

Conditions:
Cardiovascular phenotype. Identifiers: MedGen CN230736.
Arrhythmogenic right ventricular dysplasia 12. Also called: ARRHYTHMOGENIC RIGHT VENTRICULAR DYSPLASIA, FAMILIAL, 12. Identifiers: MedGen C1969081, MONDO:0012684, OMIM 611528.
Naxos disease (NXD). Also called: PALMOPLANTAR KERATODERMA WITH ARRHYTHMOGENIC RIGHT VENTRICULAR CARDIOMYOPATHY AND WOOLLY HAIR; WOOLLY HAIR, PALMOPLANTAR KERATODERMA, AND CARDIAC ABNORMALITIES; KERATOSIS PALMOPLANTARIS WITH ARRHYTHMOGENIC CARDIOMYOPATHY; MAL DE NAXOS; CARDIOMYOPATHY, ARRHYTHMOGENIC RIGHT VENTRICULAR, WITH SKIN, HAIR, AND NAIL ABNORMALITIES. Identifiers: Orphanet 34217, MedGen C1832600, MONDO:0011017, OMIM 601214.

Allele frequency attached by ClinVar (database versions not stated): ExAC 0.00002; gnomAD exomes 0.00002; gnomAD 0.00003; TOPMed 0.00003.

Submissions (5):

Labcorp Genetics (formerly Invitae), Labcorp
Classification: Likely benign for Arrhythmogenic right ventricular dysplasia 12; Naxos disease. Last evaluated: 2025-11-19. Review status: criteria provided, single submitter. Criteria: Invitae Variant Classification Sherloc (09022015). Collection method: clinical testing. Allele origin: germline.

Illumina Laboratory Services, Illumina
Classification: Uncertain significance for Arrhythmogenic right ventricular dysplasia 12. Last evaluated: 2018-01-13. Review status: criteria provided, single submitter. Criteria: ICSL Variant Classification Criteria 13 December 2019. Collection method: clinical testing. Allele origin: germline.

Illumina Laboratory Services, Illumina
Classification: Uncertain significance for Naxos disease. Last evaluated: 2018-01-13. Review status: criteria provided, single submitter. Criteria: ICSL Variant Classification Criteria 13 December 2019. Collection method: clinical testing. Allele origin: germline.

Ambry Genetics
Classification: Likely benign for Cardiovascular phenotype. Last evaluated: 2016-04-07. Review status: criteria provided, single submitter. Criteria: Ambry Variant Classification Scheme 2023. Collection method: clinical testing. Allele origin: germline.

Laboratory for Molecular Medicine, Mass General Brigham Personalized Medicine
Classification: Likely benign. Last evaluated: 2015-10-01. Review status: criteria provided, single submitter. Criteria: LMM Criteria. Collection method: clinical testing. Allele origin: germline. Observed: 1 variant allele.
Comment: p.Asn406Asn in exon 8 of JUP: This variant is not expected to have clinical sign ificance because it does not alter an amino acid residue and is not located with in the splice consensus sequence. It has been identified in 1/16510 South Asian chromosomes by the Exome Aggregation Consortium (ExAC).